The following is an entry in ClinVar:

NM_001271938.2(MEGF8):c.1245-6C>T

Gene: MEGF8 (multiple EGF like domains 8; plus strand). Cytogenetic location: 19q13.2.
Variant type: single nucleotide variant.
Coding change: c.1245-6C>T on transcript NM_001271938.2 (MANE Select); 6 bases into the intron before coding-DNA position 1245, C replaced by T.
Molecular consequence: intron variant.
Genome position (GRCh38, 1-based): chr19:42,336,801, C>T. VCF-style: chr19-42336801-C-T. GRCh37 (hg19) VCF-style: chr19-42840953-C-T.
Other names: c.1245-6C>T (NM_001410.3).
Identifiers: ClinVar variation 3037382 (VCV003037382.2), dbSNP rs373081044, ClinGen allele CA9474396.
Genomic context (GRCh38, chr19:42,336,801, plus strand): 5'-AAGAGCCTGGAGGAGGGAGAGAGACGCTTCCTGCCCTGAGCCCCTGCCCTGCTTCTCCTT[C>T]GGTAGGTTCTCTGTGCGAGTGAACTCCACTGAGCTTTTCCACGTGGATCGGCATGTGTGG-3'

ClinVar aggregate classification (germline): Likely benign (0 of 4 stars; one submission).

Conditions:
MEGF8-related disorder. Also called: MEGF8-related condition.

Allele frequency attached by ClinVar (database versions not stated): ExAC 0.00004; gnomAD 0.00005; TOPMed 0.00005; ESP Exome Variant Server 0.00015; 1000 Genomes Project 0.00020; 1000 Genomes Project 30x 0.00031.
gnomAD v4.1: 14 of 1,575,486 alleles (0.00089%); highest among the groups gnomAD compares: African/African-American, 0.012%; no homozygotes.

Submission:

PreventionGenetics, part of Exact Sciences
Classification: Likely benign for MEGF8-related condition. Last evaluated: 2019-04-30. Review status: no assertion criteria provided. Collection method: clinical testing. Allele origin: germline.
Comment: This variant is classified as likely benign based on ACMG/AMP sequence variant interpretation guidelines (Richards et al. 2015 PMID: 25741868, with internal and published modifications).